The following is an entry in ClinVar:

ClinVar aggregate classification (germline): Conflicting classifications of pathogenicity. Review status: criteria provided, conflicting classifications (1 of 4 stars). 6 submissions from 6 submitters: Pathogenic (2); Likely pathogenic (3); Uncertain significance (1). Last evaluated 2026-09-09.

Conditions:
FRMD7-related disorder. Also called: FRMD7-related condition.
Nystagmus 1, congenital, X-linked. Also called: NYSTAGMUS 1, INFANTILE, X-LINKED; NYSTAGMUS, CONGENITAL MOTOR, 1; NYSTAGMUS, INFANTILE IDIOPATHIC; FRMD7-Related Infantile Nystagmus; NYSTAGMUS, INFANTILE PERIODIC ALTERNATING, X-LINKED. Identifiers: MedGen C1839580, MONDO:0010693, OMIM 310700.
FRMD7-related disorders.

Allele frequency attached by ClinVar (database versions not stated): TOPMed 0.00001; gnomAD 0.00002 and 0.00007; gnomAD exomes 0.00002 and 0.00012; ExAC 0.00003; 1000 Genomes Project 30x 0.00021; 1000 Genomes Project 0.00026.

Submissions (6):

PreventionGenetics, part of Exact Sciences
Classification: Likely pathogenic for FRMD7-related condition. Last evaluated: 2026-09-09. Review status: criteria provided, single submitter. Criteria: ACMG Guidelines, 2015. Collection method: clinical testing. Allele origin: germline.
Comment: The FRMD7 c.875T>C variant is predicted to result in the amino acid substitution p.Leu292Pro. This variant has been reported in multiple individuals with idiopathic infantile nystagmus (IIN) or idiopathic congenital nystagmus (ICN) (AlMoallem et al. 2015. PubMed ID: 25678693; Kohmoto et al. 2015. PubMed ID: 27081518; Choi et al. 2018. PubMed ID: 30025138; Moon et al. 2021. PubMed ID: 35052368; Aychoua et al. 2022. PubMed ID: 36072665) and was shown to segregate with IIN in at least two families (AlMoallem et al. 2015. PubMed ID: 25678693; Kohmoto et al. 2015. PubMed ID: 27081518). This variant is reported in 0.029% of alleles in individuals of East Asian descent in gnomAD and has conflicting classifications in ClinVar ranging from uncertain to pathogenic (Variation ID: 1324432). This variant is interpreted as likely pathogenic.

Revvity Omics, Revvity
Classification: Uncertain significance for Nystagmus 1, congenital, X-linked. Last evaluated: 2025-05-16. Review status: criteria provided, single submitter. Criteria: ACMG Guidelines, 2015. Collection method: clinical testing. Allele origin: germline.

Labcorp Genetics (formerly Invitae), Labcorp
Classification: Pathogenic. Last evaluated: 2025-02-25. Review status: criteria provided, single submitter. Criteria: Invitae Variant Classification Sherloc (09022015). Collection method: clinical testing. Allele origin: germline.
Comment: This sequence change replaces leucine, which is neutral and non-polar, with proline, which is neutral and non-polar, at codon 292 of the FRMD7 protein (p.Leu292Pro). This variant is present in population databases (rs192346335, gnomAD 0.02%). This missense change has been observed in individuals with inherited infantile nystagmus (PMID: 25678693, 27081518, 30025128, 35052368). It has also been observed to segregate with disease in related individuals. ClinVar contains an entry for this variant (Variation ID: 1324432). An algorithm developed to predict the effect of missense changes on protein structure and function (PolyPhen-2) suggests that this variant is likely to be disruptive. For these reasons, this variant has been classified as Pathogenic.

Blueprint Genetics
Classification: Likely pathogenic for FRMD7-related disorders. Last evaluated: 2024-05-20. Review status: criteria provided, single submitter. Criteria: ACMG Guidelines, 2015. Collection method: clinical testing. Allele origin: germline. Affected: yes. Observed: 5 variant alleles.

Mendelics
Classification: Pathogenic for Nystagmus 1, congenital, X-linked. Last evaluated: 2022-05-04. Review status: criteria provided, single submitter. Criteria: Mendelics Assertion Criteria 2019. Collection method: clinical testing. Allele origin: germline.

Juno Genomics, Hangzhou Juno Genomics, Inc
Classification: Likely pathogenic for Nystagmus 1, congenital, X-linked. Review status: criteria provided, single submitter. Criteria: ACMG Guidelines, 2015. Collection method: clinical testing. Allele origin: germline.
Comment: Multiple lines of computational evidence support a deleterious effect on the gene or gene product.;Patient's phenotype or family history is highly specific for a disease with a single genetic etiology.;Co-segregation with disease in multiple affected family members.;Located in a mutational hot spot and/or critical and well-established functional domain without benign variation.

Literature cited by the submitters: PubMed 25678693 (cited by Labcorp Genetics (formerly Invitae), Labcorp); PubMed 27081518 (cited by Labcorp Genetics (formerly Invitae), Labcorp); PubMed 30025128 (cited by Labcorp Genetics (formerly Invitae), Labcorp); PubMed 35052368 (cited by Labcorp Genetics (formerly Invitae), Labcorp).

NM_194277.3(FRMD7):c.875T>C (p.Leu292Pro)

Gene: FRMD7 (FERM domain containing 7; minus strand). Cytogenetic location: Xq26.2.
Variant type: single nucleotide variant.
Coding change: c.875T>C on transcript NM_194277.3 (MANE Select); coding-DNA position 875, T replaced by C.
Protein change: p.Leu292Pro; replaces leucine 292 with proline.
Molecular consequence: missense variant.
Genome position (GRCh38, 1-based): chrX:132,082,393, A>G on the plus strand (T>C on the coding strand, the complement: FRMD7 is on the minus strand). VCF-style: chrX-132082393-A-G. GRCh37 (hg19) VCF-style: chrX-131216421-A-G.
Other names: c.830T>C, p.Leu277Pro (NM_001306193.2); short protein forms L277P, L292P.
Identifiers: ClinVar variation 1324432 (VCV001324432.13), dbSNP rs192346335, ClinGen allele CA10518967.